The following is an entry in ClinVar:

ClinVar aggregate classification (germline): Uncertain significance. Review status: criteria provided, multiple submitters, no conflicts (2 of 4 stars). 2 submissions from 2 submitters: Uncertain significance (2). Last evaluated 2024-01-08.

Conditions:
Pulmonary hypertension, primary, 4. Identifiers: Orphanet 422, MedGen C3809198, MONDO:0014136, OMIM 615344.

Allele frequency attached by ClinVar (database versions not stated): gnomAD exomes below 0.00001; TOPMed below 0.00001; ExAC 0.00002.
gnomAD v4.1: 1 of 1,607,716 alleles (0.000062%); highest among the groups gnomAD compares: Admixed American, 0.0017%; no homozygotes.

Submissions (2):

Fulgent Genetics
Classification: Uncertain significance for Pulmonary hypertension, primary, 4. Last evaluated: 2024-01-08. Review status: criteria provided, single submitter. Criteria: ACMG Guidelines, 2015. Collection method: clinical testing. Allele origin: germline.

Labcorp Genetics (formerly Invitae), Labcorp
Classification: Uncertain significance for Pulmonary hypertension, primary, 4. Last evaluated: 2021-06-05. Review status: criteria provided, single submitter. Criteria: Invitae Variant Classification Sherloc (09022015). Collection method: clinical testing. Allele origin: germline.
Comment: In summary, the available evidence is currently insufficient to determine the role of this variant in disease. Therefore, it has been classified as a Variant of Uncertain Significance. This sequence change replaces proline with serine at codon 326 of the KCNK3 protein (p.Pro326Ser). The proline residue is moderately conserved and there is a moderate physicochemical difference between proline and serine. This variant is present in population databases (rs775696759, ExAC 0.02%). This variant has not been reported in the literature in individuals with KCNK3-related conditions. Algorithms developed to predict the effect of missense changes on protein structure and function are either unavailable or do not agree on the potential impact of this missense change (SIFT: "Tolerated"; PolyPhen-2: "Possibly Damaging"; Align-GVGD: "Class C0").

NM_002246.3(KCNK3):c.976C>T (p.Pro326Ser)

Gene: KCNK3 (potassium two pore domain channel subfamily K member 3; plus strand). Cytogenetic location: 2p23.3.
Variant type: single nucleotide variant.
Coding change: c.976C>T on transcript NM_002246.3 (MANE Select); coding-DNA position 976, C replaced by T.
Protein change: p.Pro326Ser; replaces proline 326 with serine.
Molecular consequence: missense variant.
Genome position (GRCh38, 1-based): chr2:26,728,359, C>T. VCF-style: chr2-26728359-C-T. GRCh37 (hg19) VCF-style: chr2-26951227-C-T.
Other names: short protein forms P326S.
Identifiers: ClinVar variation 1486049 (VCV001486049.9), dbSNP rs775696759, ClinGen allele CA1565581.
Genomic context (GRCh38, chr2:26,728,359, plus strand): 5'-TTCCAGTCCATGTGCTCGTGCCTGTGGTACAAGAGCCGCGAGAAGCTGCAGTACTCCATC[C>T]CCATGATCATCCCGCGGGACCTCTCCACGTCCGACACGTGCGTGGAGCAGAGCCACTCGT-3'
Protein context (NP_002237.1, residues 316-336): KSREKLQYSI[Pro326Ser]MIIPRDLSTS